The following is an entry in ClinVar:

ClinVar aggregate classification (germline): Likely pathogenic (1 of 4 stars; one submission).

Conditions:
Macrocephaly, neurodevelopmental delay, lymphoid hyperplasia, and persistent fetal hemoglobin (MNDLFH). Identifiers: Orphanet 694956, MedGen C5676928, MONDO:0859231, OMIM 619769.

Submission:

3billion
Classification: Likely pathogenic for Macrocephaly, neurodevelopmental delay, lymphoid hyperplasia, and persistent fetal hemoglobin. Last evaluated: 2024-11-14. Review status: criteria provided, single submitter. Criteria: ACMG Guidelines, 2015. Collection method: clinical testing. Allele origin: germline. Affected: yes.
Comment: The variant is not observed in the gnomAD v4.1.0 dataset. Predicted Consequence/Location: Frameshift: predicted to result in a loss or disruption of normal protein function through protein truncation. Multiple pathogenic variants are reported in the predicted truncated region. Therefore, this variant is classified as Likely pathogenic according to the recommendation of ACMG/AMP guideline.

NM_015898.4(ZBTB7A):c.1497del (p.Lys500fs)

Gene: ZBTB7A (zinc finger and BTB domain containing 7A; minus strand). Cytogenetic location: 19p13.3.
Variant type: Deletion.
Coding change: c.1497del on transcript NM_015898.4 (MANE Select); coding-DNA position 1497, one base deleted (C; older notation c.1497delC).
Protein change: p.Lys500fs; shifts the reading frame from lysine 500.
Molecular consequence: frameshift variant.
Genome position (GRCh38, 1-based): chr19:4,048,010, G deleted on the plus strand (C on the coding strand, the reverse complement: ZBTB7A is on the minus strand). VCF-style (leftmost placement, unchanged base first): chr19-4048009-TG-T. GRCh37 (hg19) VCF-style: chr19-4048007-TG-T.
Other names: c.1497del, p.Lys500fs (NM_001317990.2); short protein forms K500fs.
Identifiers: ClinVar variation 4292125 (VCV004292125.1).
Genomic context (GRCh38, chr19:4,048,009, plus strand): 5'-CGCCGGGGGTCGCGGTGGCCCCCGGGCTGGGGTCGGGCGCCCCGCCCCGGACGCGGGGCT[TG>T]CGGCCGCGGCGCGAGGGGACGCCGTTGCAGCCGTCTTTCTTGAGGTGTCTGTGCAGGTGG-3'